The following is an entry in ClinVar:

ClinVar aggregate classification (germline): Uncertain significance. Review status: criteria provided, multiple submitters, no conflicts (2 of 4 stars). 2 submissions from 2 submitters: Uncertain significance (2). Last evaluated 2025-12-20.

Conditions:
Congenital muscular hypertrophy-cerebral syndrome (CDLS2). Also called: SMC1A-Related Cornelia de Lange Syndrome; Cornelia de Lange syndrome 2. Identifiers: Orphanet 199, MedGen C1802395, MONDO:0010370, OMIM 300590.

Allele frequency attached by ClinVar (database versions not stated): TOPMed 0.00003.
gnomAD v4.1: 3 of 1,206,018 alleles (0.00025%); highest among the groups gnomAD compares: Non-Finnish European, 0.00034%; no homozygotes.

Submissions (2):

Labcorp Genetics (formerly Invitae), Labcorp
Classification: Uncertain significance for Congenital muscular hypertrophy-cerebral syndrome. Last evaluated: 2025-12-20. Review status: criteria provided, single submitter. Criteria: Invitae Variant Classification Sherloc (09022015). Collection method: clinical testing. Allele origin: germline.
Comment: This sequence change replaces aspartic acid, which is acidic and polar, with glutamic acid, which is acidic and polar, at codon 252 of the SMC1A protein (p.Asp252Glu). This variant is present in population databases (no rsID available, gnomAD 0.001%). This variant has not been reported in the literature in individuals affected with SMC1A-related conditions. ClinVar contains an entry for this variant (Variation ID: 989382). Invitae Evidence Modeling of protein sequence and biophysical properties (such as structural, functional, and spatial information, amino acid conservation, physicochemical variation, residue mobility, and thermodynamic stability) indicates that this missense variant is not expected to disrupt SMC1A protein function with a negative predictive value of 80%. In summary, the available evidence is currently insufficient to determine the role of this variant in disease. Therefore, it has been classified as a Variant of Uncertain Significance.

Illumina Laboratory Services, Illumina
Classification: Uncertain significance for Congenital muscular hypertrophy-cerebral syndrome. Last evaluated: 2020-06-10. Review status: criteria provided, single submitter. Criteria: ICSLVariantClassificationCriteria RUGD 01 April 2020. Collection method: clinical testing. Allele origin: unknown.
Comment: The SMC1A c.756C>G (p.Asp252Glu) variant is a missense variant. A literature search was performed for the gene, cDNA change, and amino acid change. No publications were found based on this search. This variant is found at a frequency of 0.000013 in the European (Non-Finnish) population of the Genome Aggregation Database, but this is based on one allele found in a heterozygous state in a female individual, so the variant is presumed to be rare. Missense variants in this gene are a common mechanism of disease and this variant is found in the coiled-coil domain (Mannini et al. 2010). Based on the limited evidence, the p.Asp252Glu variant is classified as a variant of uncertain significance for Cornelia de Lange syndrome.

Literature cited by the submitters: PubMed 19842212 (cited by Illumina Laboratory Services, Illumina).

NM_006306.4(SMC1A):c.756C>G (p.Asp252Glu)

Gene: SMC1A (structural maintenance of chromosomes 1A; minus strand). Cytogenetic location: Xp11.22.
Variant type: single nucleotide variant.
Coding change: c.756C>G on transcript NM_006306.4 (MANE Select); coding-DNA position 756, C replaced by G.
Protein change: p.Asp252Glu; replaces aspartic acid 252 with glutamic acid.
Molecular consequence: missense variant.
Genome position (GRCh38, 1-based): chrX:53,412,998, G>C on the plus strand (C>G on the coding strand, the complement: SMC1A is on the minus strand). VCF-style: chrX-53412998-G-C. GRCh37 (hg19) VCF-style: chrX-53439948-G-C.
Other names: c.690C>G, p.Asp230Glu (NM_001281463.1); short protein forms D230E, D252E.
Identifiers: ClinVar variation 989382 (VCV000989382.5), dbSNP rs370671274, ClinGen allele CA413258561.
Genomic context (GRCh38, chrX:53,412,998, plus strand): 5'-TTTGCCCAGCTCCTTCTTCTTCTCCTTCAGTTCATCCTCCACCTTGTCCATACGCTTCTT[G>C]TCCTTCTCGATCTCCTTGTTCTTTGAGGCCAGTTCCTTGTTGAGCTTCTCAATTTCCACT-3'
Protein context (NP_006297.2, residues 242-262): LASKNKEIEK[Asp252Glu]KKRMDKVEDE